The following is an entry in ClinVar:

ClinVar aggregate classification (germline): Uncertain significance (1 of 4 stars; one submission).

Submission:

GeneDx
Classification: Uncertain significance. Last evaluated: 2024-03-06. Review status: criteria provided, single submitter. Criteria: GeneDx Variant Classification Process June 2021. Collection method: clinical testing. Allele origin: germline. Affected: yes.
Comment: Not observed at significant frequency in large population cohorts (gnomAD); In silico analysis supports that this missense variant does not alter protein structure/function; Has not been previously published as pathogenic or benign to our knowledge

NM_002074.5(GNB1):c.109A>G (p.Ile37Val)

Gene: GNB1 (G protein subunit beta 1; minus strand). Cytogenetic location: 1p36.33.
Variant type: single nucleotide variant.
Coding change: c.109A>G on transcript NM_002074.5 (MANE Select); coding-DNA position 109, A replaced by G.
Protein change: p.Ile37Val; replaces isoleucine 37 with valine.
Molecular consequence: missense variant. On other transcripts: intron variant (1).
Genome position (GRCh38, 1-based): chr1:1,815,850, T>C on the plus strand (A>G on the coding strand, the complement: GNB1 is on the minus strand). VCF-style: chr1-1815850-T-C. GRCh37 (hg19) VCF-style: chr1-1747289-T-C.
Other names: c.109A>G, p.Ile37Val (NM_001282539.2); c.-97-9312A>G (NM_001282538.2); short protein forms I37V.
Identifiers: ClinVar variation 3373730 (VCV003373730.1).